The following is an entry in ClinVar:

NM_005188.4(CBL):c.1357C>T (p.Pro453Ser)

Gene: CBL (Cbl proto-oncogene; plus strand). Cytogenetic location: 11q23.3.
Variant type: single nucleotide variant.
Coding change: c.1357C>T on transcript NM_005188.4 (MANE Select); coding-DNA position 1357, C replaced by T.
Protein change: p.Pro453Ser; replaces proline 453 with serine.
Molecular consequence: missense variant.
Genome position (GRCh38, 1-based): chr11:119,278,639, C>T. VCF-style: chr11-119278639-C-T. GRCh37 (hg19) VCF-style: chr11-119149349-C-T.
Other names: short protein forms P453S.
Identifiers: ClinVar variation 1516357 (VCV001516357.11), dbSNP rs748055961, ClinGen allele CA6318502.

ClinVar aggregate classification (germline): Conflicting classifications of pathogenicity. Review status: criteria provided, conflicting classifications (1 of 4 stars). 3 submissions from 3 submitters: Uncertain significance (2); Likely benign (1). Last evaluated 2025-11-16.

Conditions:
RASopathy. Also called: rasopathies; Noonan spectrum disorder. Identifiers: Orphanet 536391, MedGen C5555857, MONDO:0021060.

Allele frequency attached by ClinVar (database versions not stated): ExAC 0.00002; TOPMed 0.00002; gnomAD exomes 0.00004 and 0.00001.
gnomAD v4.1: 12 of 1,613,888 alleles (0.00074%); highest among the groups gnomAD compares: Admixed American, 0.017%; no homozygotes.

Submissions (3):

Labcorp Genetics (formerly Invitae), Labcorp
Classification: Likely benign for RASopathy. Last evaluated: 2025-11-16. Review status: criteria provided, single submitter. Criteria: Invitae Variant Classification Sherloc (09022015). Collection method: clinical testing. Allele origin: germline.

ARUP Laboratories, Molecular Genetics and Genomics, ARUP Laboratories
Classification: Uncertain significance. Last evaluated: 2024-08-26. Review status: criteria provided, single submitter. Criteria: ARUP Molecular Germline Variant Investigation Process 2024. Collection method: clinical testing. Allele origin: germline.
Comment: The CBL c.1357C>T; p.Pro453Ser variant (rs748055961), to our knowledge, is not reported in the medical literature but is reported in ClinVar (Variation ID: 1516357). This variant is found in the general population with an overall allele frequency of 0.004% (10/251340 alleles) in the Genome Aggregation Database (v2.1.1). Computational analyses are uncertain whether this variant is neutral or deleterious (REVEL: 0.314). Due to limited information, the clinical significance of this variant is uncertain at this time.

Centre of Medical Genetics, University Hospital Muenster
Classification: Uncertain significance. Last evaluated: 2022-08-19. Review status: criteria provided, single submitter. Criteria: ACMG Guidelines, 2015. Collection method: clinical testing. Allele origin: unknown. Affected: yes. Observed: 1 variant allele, 1 heterozygote.
Comment: ACMG categories: PM2